The following is an entry in ClinVar:

NM_001126108.2(SLC12A3):c.2818A>T (p.Lys940Ter)

Gene: SLC12A3 (solute carrier family 12 member 3; plus strand). Cytogenetic location: 16q13.
Variant type: single nucleotide variant.
Coding change: c.2818A>T on transcript NM_001126108.2 (MANE Select); coding-DNA position 2818, A replaced by T.
Protein change: p.Lys940Ter; replaces lysine 940 with a stop codon.
Molecular consequence: nonsense.
Genome position (GRCh38, 1-based): chr16:56,902,470, A>T. VCF-style: chr16-56902470-A-T. GRCh37 (hg19) VCF-style: chr16-56936382-A-T.
Other names: c.2845A>T, p.Lys949Ter (NM_000339.3); c.2842A>T, p.Lys948Ter (NM_001126107.2); c.2815A>T, p.Lys939Ter (NM_001410896.1); short protein forms K948*, K949*, K940*, K939*.
Identifiers: ClinVar variation 3004075 (VCV003004075.3), dbSNP rs2543557937, ClinGen allele CA396001435.

ClinVar aggregate classification (germline): Pathogenic (1 of 4 stars; one submission).

Submission:

Labcorp Genetics (formerly Invitae), Labcorp
Classification: Pathogenic. Last evaluated: 2022-11-01. Review status: criteria provided, single submitter. Criteria: Invitae Variant Classification Sherloc (09022015). Collection method: clinical testing. Allele origin: germline.
Comment: For these reasons, this variant has been classified as Pathogenic. This variant has not been reported in the literature in individuals affected with SLC12A3-related conditions. This variant is not present in population databases (gnomAD no frequency). This sequence change creates a premature translational stop signal (p.Lys949*) in the SLC12A3 gene. It is expected to result in an absent or disrupted protein product. Loss-of-function variants in SLC12A3 are known to be pathogenic (PMID: 20848653, 22009145, 25841442).

Literature cited by the submitters: PubMed 20848653; PubMed 22009145; PubMed 25841442.